The following is an entry in ClinVar:

NM_000455.5(STK11):c.597+1G>T

Gene: STK11 (serine/threonine kinase 11; plus strand). Cytogenetic location: 19p13.3.
Variant type: single nucleotide variant.
Coding change: c.597+1G>T on transcript NM_000455.5 (MANE Select); the canonical splice donor site of the intron after coding-DNA position 597, G replaced by T.
Molecular consequence: splice donor variant.
Genome position (GRCh38, 1-based): chr19:1,220,506, G>T. VCF-style: chr19-1220506-G-T. GRCh37 (hg19) VCF-style: chr19-1220505-G-T.
Other names: c.597+1G>T (NM_001407255.1).
Identifiers: ClinVar variation 265451 (VCV000265451.15), dbSNP rs886039554, ClinGen allele CA10588682.
Genomic context (GRCh38, chr19:1,220,506, plus strand): 5'-GGGAACCTGCTGCTCACCACCGGTGGCACCCTCAAAATCTCCGACCTGGGCGTGGCCGAG[G>T]TAGGCACGTGCTAGGGGGGGCCCTGGGGCGCCCCCTCCCGGGCACTCCCTGAGGGCTGCA-3'

ClinVar aggregate classification (germline): Pathogenic. Review status: criteria provided, multiple submitters, no conflicts (2 of 4 stars). 4 submissions from 4 submitters: Pathogenic (4). Last evaluated 2025-09-05.

Conditions:
Hereditary cancer-predisposing syndrome. Also called: Tumor predisposition; Neoplastic Syndromes, Hereditary; Hereditary neoplastic syndrome; Hereditary Cancer Syndrome. Identifiers: Orphanet 140162, MedGen C0027672, MeSH D009386, MONDO:0015356.
Peutz-Jeghers syndrome (PJS). Also called: POLYPOSIS, HAMARTOMATOUS INTESTINAL; POLYPS-AND-SPOTS SYNDROME; Peutz-Jeghers polyposis; Periorificial lentiginosis syndrome. Identifiers: Orphanet 2869, MedGen C0031269, MeSH D010580, MONDO:0008280, OMIM 175200.

Submissions (4):

Ambry Genetics
Classification: Pathogenic for Hereditary cancer-predisposing syndrome. Last evaluated: 2025-09-05. Review status: criteria provided, single submitter. Criteria: Ambry Variant Classification Scheme 2023. Collection method: clinical testing. Allele origin: germline.
Comment: The c.597+1G>T intronic pathogenic mutation results from a G to T substitution one nucleotide after coding exon 4 of the STK11 gene. This variant was reported in individual(s) with features consistent with Peutz-Jeghers syndrome (Ambry internal data). This variant is considered to be rare based on population cohorts in the Genome Aggregation Database (gnomAD). This nucleotide position is highly conserved in available vertebrate species. In silico splice site analysis predicts that this alteration will weaken the native splice donor site and may result in the creation or strengthening of a novel splice donor site. Alterations that disrupt the canonical splice site are expected to cause aberrant splicing, resulting in an abnormal protein or a transcript that is subject to nonsense-mediated mRNA decay. As such, this alteration is classified as a disease-causing mutation.

Labcorp Genetics (formerly Invitae), Labcorp
Classification: Pathogenic for Peutz-Jeghers syndrome. Last evaluated: 2024-10-29. Review status: criteria provided, single submitter. Criteria: Invitae Variant Classification Sherloc (09022015). Collection method: clinical testing. Allele origin: germline.
Comment: This sequence change affects a donor splice site in intron 4 of the STK11 gene. RNA analysis indicates that disruption of this splice site induces altered splicing and may result in an absent or altered protein product. This variant is not present in population databases (gnomAD no frequency). Disruption of this splice site has been observed in individuals with Peutz-Jeghers syndrome (PMID: 16407375, 16707622, 21118512, 22775437). This variant is also known as IVS4+1G>T. ClinVar contains an entry for this variant (Variation ID: 265451). Studies have shown that disruption of this splice site results in exon 4 skipping, and produces a non-functional protein and/or introduces a premature termination codon (PMID: 22775437). For these reasons, this variant has been classified as Pathogenic.

Genome-Nilou Lab
Classification: Pathogenic for Peutz-Jeghers syndrome. Last evaluated: 2021-07-15. Review status: criteria provided, single submitter. Criteria: ACMG Guidelines, 2015. Collection method: clinical testing. Allele origin: germline. Affected: no.

GeneDx
Classification: Pathogenic. Last evaluated: 2016-10-28. Review status: criteria provided, single submitter. Criteria: GeneDx Variant Classification (06012015). Collection method: clinical testing. Allele origin: germline. Affected: yes.
Comment: The c.597+1 G>T splice site variant in the STK11 gene has been previously reported in association with Peutz-Jeghers syndrome (Mehenni et al., 2006). This variant destroys the canonical splice donor site in intron 4, and is expected to cause abnormal gene splicing. The variant was not observed in approximately 6,500 individuals of European and African American ancestry in the NHLBI Exome Sequencing Project, indicating it is not a common benign variant in these populations. Therefore, this variant is pathogenic.

Literature cited by the submitters: PubMed 16407375 (cited by Ambry Genetics and Labcorp Genetics (formerly Invitae), Labcorp); PubMed 16707622 (cited by Ambry Genetics and Labcorp Genetics (formerly Invitae), Labcorp); PubMed 21118512 (cited by Ambry Genetics and Labcorp Genetics (formerly Invitae), Labcorp); PubMed 22775437 (cited by Labcorp Genetics (formerly Invitae), Labcorp).